The following is an entry in ClinVar:

ClinVar aggregate classification (germline): Pathogenic. Review status: no assertion criteria provided (0 of 4 stars). 2 submissions from 2 submitters: Pathogenic (1). 1 of the submissions does not count toward it. Last evaluated 2006-09-01.

Conditions:
Familial long QT syndrome (RWS). Also called: Romano-Ward syndrome; VENTRICULAR FIBRILLATION WITH PROLONGED QT INTERVAL; Congenital long QT syndrome. Identifiers: Orphanet 768, MedGen C1141890, MONDO:0019171.
Long QT syndrome 3/6, digenic (LQT3/6, DIGENIC). Identifiers: MedGen C3276241.

gnomAD v4.1: 2 of 1,614,248 alleles (0.00012%); highest among the groups gnomAD compares: Non-Finnish European, 0.00017%; no homozygotes.

Submissions (2):

OMIM
Classification: Pathogenic for LONG QT SYNDROME 3/6, DIGENIC. Last evaluated: 2006-09-01. Review status: no assertion criteria provided. Collection method: literature only. Allele origin: germline.

Cardiovascular Biomedical Research Unit, Royal Brompton & Harefield NHS Foundation Trust
No classification provided. Condition: Familial long QT syndrome. Review status: no classification provided. Collection method: literature only. Allele origin: germline. Not counted in ClinVar's aggregate classification.
Comment: This variant has been reported as associated with Long QT syndrome in the following publications (PMID:16922724). This is a literature report, and does not necessarily reflect the clinical interpretation of the Imperial College / Royal Brompton Cardiovascular Genetics laboratory.

Literature cited by the submitters: PubMed 16922724 (cited by OMIM and Cardiovascular Biomedical Research Unit, Royal Brompton & Harefield NHS Foundation Trust); PubMed 22581653 (cited by Cardiovascular Biomedical Research Unit, Royal Brompton & Harefield NHS Foundation Trust).

NM_172201.2(KCNE2):c.178T>C (p.Phe60Leu)

Genes: KCNE2 (potassium voltage-gated channel subfamily E regulatory subunit 2; plus strand), LOC105372791 (uncharacterized LOC105372791; minus strand). Cytogenetic location: 21q22.11.
Variant type: single nucleotide variant.
Coding change: c.178T>C on transcript NM_172201.2 (MANE Select); coding-DNA position 178, T replaced by C.
Protein change: p.Phe60Leu; replaces phenylalanine 60 with leucine.
Molecular consequence: missense variant.
Genome position (GRCh38, 1-based): chr21:34,370,656, T>C. VCF-style: chr21-34370656-T-C. GRCh37 (hg19) VCF-style: chr21-35742955-T-C.
Other names: c.178T>C (LRG_291t1); short protein forms F60L.
Identifiers: ClinVar variation 6056 (VCV000006056.1), dbSNP rs16991654, ClinGen allele CA117926.